The following is an entry in ClinVar:

ClinVar aggregate classification (germline): Uncertain significance. Review status: criteria provided, multiple submitters, no conflicts (2 of 4 stars). 2 submissions from 2 submitters: Uncertain significance (2). Last evaluated 2025-08-06.

Conditions:
Cardiovascular phenotype. Identifiers: MedGen CN230736.

gnomAD v4.1: 9 of 1,614,236 alleles (0.00056%); highest among the groups gnomAD compares: South Asian, 0.0088%; 1 homozygote.

Submissions (2):

Ambry Genetics
Classification: Uncertain significance for Cardiovascular phenotype. Last evaluated: 2025-08-06. Review status: criteria provided, single submitter. Criteria: Ambry Variant Classification Scheme 2023. Collection method: clinical testing. Allele origin: germline.

GeneDx
Classification: Uncertain significance. Last evaluated: 2025-03-26. Review status: criteria provided, single submitter. Criteria: GeneDx Variant Classification Process June 2021. Collection method: clinical testing. Allele origin: germline. Affected: yes.
Comment: Not observed at significant frequency in large population cohorts (gnomAD); In silico analysis supports that this missense variant has a deleterious effect on protein structure/function; Has not been previously published as pathogenic or benign to our knowledge

NM_007078.3(LDB3):c.280C>A (p.Pro94Thr)

Gene: LDB3 (LIM domain binding 3; plus strand). Cytogenetic location: 10q23.2.
Variant type: single nucleotide variant.
Coding change: c.280C>A on transcript NM_007078.3 (MANE Select); coding-DNA position 280, C replaced by A.
Protein change: p.Pro94Thr; replaces proline 94 with threonine.
Molecular consequence: missense variant.
Genome position (GRCh38, 1-based): chr10:86,680,116, C>A. VCF-style: chr10-86680116-C-A. GRCh37 (hg19) VCF-style: chr10-88439873-C-A.
Other names: c.280C>A, p.Pro94Thr (NM_001080114.2, NM_001080115.2, NM_001080116.1 and 8 more transcripts); short protein forms P94T.
Identifiers: ClinVar variation 4087812 (VCV004087812.1).